The following is an entry in ClinVar:

ClinVar aggregate classification (germline): Uncertain significance. Review status: criteria provided, multiple submitters, no conflicts (2 of 4 stars). 3 submissions from 3 submitters: Uncertain significance (2). 1 of the submissions does not count toward it. Last evaluated 2025-05-12.

Conditions:
CFTR-related disorder (CFTR-RD). Also called: CFTR-related disorders; CFTR-related condition. Identifiers: MedGen C5924204, MONDO:7770004.
Cystic fibrosis (CF). Also called: MUCOVISCIDOSIS. Identifiers: Orphanet 586, MedGen C0010674, MONDO:0009061, OMIM 219700. Disease mechanism: loss of function.

Allele frequency attached by ClinVar (database versions not stated): gnomAD exomes 0.00003; ExAC 0.00003; TOPMed below 0.00001.

Submissions (3):

Ambry Genetics
Classification: Uncertain significance for Cystic fibrosis. Last evaluated: 2025-05-12. Review status: criteria provided, single submitter. Criteria: Ambry Variant Classification Scheme 2023. Collection method: clinical testing. Allele origin: germline.
Comment: The p.V171I variant (also known as c.511G>A), located in coding exon 5 of the CFTR gene, results from a G to A substitution at nucleotide position 511. The valine at codon 171 is replaced by isoleucine, an amino acid with highly similar properties. This amino acid position is highly conserved in available vertebrate species. In addition, the in silico prediction for this alteration is inconclusive. Based on the available evidence, the clinical significance of this variant remains unclear.

Labcorp Genetics (formerly Invitae), Labcorp
Classification: Uncertain significance for Cystic fibrosis. Last evaluated: 2021-08-30. Review status: criteria provided, single submitter. Criteria: Invitae Variant Classification Sherloc (09022015). Collection method: clinical testing. Allele origin: germline.
Comment: This sequence change replaces valine with isoleucine at codon 171 of the CFTR protein (p.Val171Ile). The valine residue is moderately conserved and there is a small physicochemical difference between valine and isoleucine. This variant is present in population databases (rs745468219, ExAC 0.02%). This variant has not been reported in the literature in individuals affected with CFTR-related conditions. Algorithms developed to predict the effect of missense changes on protein structure and function are either unavailable or do not agree on the potential impact of this missense change (SIFT: "Tolerated"; PolyPhen-2: "Possibly Damaging"; Align-GVGD: "Class C0"). In summary, the available evidence is currently insufficient to determine the role of this variant in disease. Therefore, it has been classified as a Variant of Uncertain Significance.

Natera, Inc.
Classification: Uncertain significance for CFTR-related disorders. Last evaluated: 2020-06-07. Review status: no assertion criteria provided. Collection method: clinical testing. Allele origin: germline. Not counted in ClinVar's aggregate classification.

NM_000492.4(CFTR):c.511G>A (p.Val171Ile)

Gene: CFTR (CF transmembrane conductance regulator; plus strand). Cytogenetic location: 7q31.2.
Variant type: single nucleotide variant.
Coding change: c.511G>A on transcript NM_000492.4 (MANE Select); coding-DNA position 511, G replaced by A.
Protein change: p.Val171Ile; replaces valine 171 with isoleucine.
Molecular consequence: missense variant.
Genome position (GRCh38, 1-based): chr7:117,534,297, G>A. VCF-style: chr7-117534297-G-A. GRCh37 (hg19) VCF-style: chr7-117174351-G-A.
Other names: short protein forms V171I.
Identifiers: ClinVar variation 969100 (VCV000969100.9), dbSNP rs745468219, ClinGen allele CA4450749.